The following is an entry in ClinVar:

ClinVar aggregate classification (germline): Uncertain significance (1 of 4 stars; one submission).

Conditions:
ATP2B2-related disorder. Also called: ATP2B2-related condition.

Submission:

PreventionGenetics, part of Exact Sciences
Classification: Uncertain significance for ATP2B2-related condition. Last evaluated: 2025-07-26. Review status: criteria provided, single submitter. Criteria: ACMG Guidelines, 2015. Collection method: clinical testing. Allele origin: germline.
Comment: The ATP2B2 c.939A>T variant is not predicted to result in an amino acid change (p.=). This variant is predicted to impact splicing based on available splicing prediction programs (SpliceAI, Jaganathan et al. 2019. PubMed ID: 30661751). To our knowledge, this variant has not been reported in the literature or in a large population database (gnomAD), indicating this variant is rare. At this time, the clinical significance of this variant is uncertain due to the absence of conclusive functional and genetic evidence.

NM_001001331.4(ATP2B2):c.939A>T (p.Pro313=)

Gene: ATP2B2 (ATPase plasma membrane Ca2+ transporting 2; minus strand). Cytogenetic location: 3p25.3.
Variant type: single nucleotide variant.
Coding change: c.939A>T on transcript NM_001001331.4 (MANE Select); coding-DNA position 939, A replaced by T.
Protein change: p.Pro313=; no amino-acid change (proline 313 retained).
Molecular consequence: synonymous variant. On other transcripts: intron variant (6).
Genome position (GRCh38, 1-based): chr3:10,386,481, T>A on the plus strand (A>T on the coding strand, the complement: ATP2B2 is on the minus strand). VCF-style: chr3-10386481-T-A. GRCh37 (hg19) VCF-style: chr3-10428165-T-A.
Other names: c.907+1796A>T (NM_001438036.1, NM_001353564.1, NM_001683.5 and 3 more transcripts).
Identifiers: ClinVar variation 4997869 (VCV004997869.1).